The following is an entry in ClinVar:

ClinVar aggregate classification (germline): Uncertain significance (1 of 4 stars; one submission).

Conditions:
Hereditary cancer-predisposing syndrome. Also called: Neoplastic Syndromes, Hereditary; Tumor predisposition; Hereditary Cancer Syndrome; Hereditary neoplastic syndrome. Identifiers: Orphanet 140162, MedGen C0027672, MeSH D009386, MONDO:0015356.

Submission:

Ambry Genetics
Classification: Uncertain significance for Hereditary cancer-predisposing syndrome. Last evaluated: 2026-02-20. Review status: criteria provided, single submitter. Criteria: Ambry Variant Classification Scheme 2023. Collection method: clinical testing. Allele origin: germline.
Comment: The p.P1542H variant (also known as c.4625C>A), located in coding exon 15 of the APC gene, results from a C to A substitution at nucleotide position 4625. The proline at codon 1542 is replaced by histidine, an amino acid with similar properties. This amino acid position is conserved. In addition, in silico predictors for this gene do not accurately predict pathogenicity. Based on the available evidence, the clinical significance of this variant remains unclear.

NM_000038.6(APC):c.4625C>A (p.Pro1542His)

Gene: APC (APC regulator of Wnt signaling pathway; plus strand). Cytogenetic location: 5q22.2.
Variant type: single nucleotide variant.
Coding change: c.4625C>A on transcript NM_000038.6 (MANE Select); coding-DNA position 4625, C replaced by A.
Protein change: p.Pro1542His; replaces proline 1542 with histidine.
Molecular consequence: missense variant. On other transcripts: non-coding transcript variant (2).
Genome position (GRCh38, 1-based): chr5:112,840,219, C>A. VCF-style: chr5-112840219-C-A. GRCh37 (hg19) VCF-style: chr5-112175916-C-A.
Other names: c.4625C>A, p.Pro1542His (NM_001127510.3, NM_001354895.2, NM_001407450.1); c.4571C>A, p.Pro1524His (NM_001127511.3); c.4679C>A, p.Pro1560His (NM_001354896.2, NM_001407447.1, NM_001407448.1 and 1 more transcripts); c.4655C>A, p.Pro1552His (NM_001354897.2); c.4550C>A, p.Pro1517His (NM_001354898.2); c.4541C>A, p.Pro1514His (NM_001354899.2); c.4502C>A, p.Pro1501His (NM_001354900.2); c.4448C>A, p.Pro1483His (NM_001354901.2, NM_001407453.1); and 11 more; short protein forms P1517H, P1524H, P1535H, P1416H, P1459H, P1514H, P1532H, P1560H.
Identifiers: ClinVar variation 4825070 (VCV004825070.1).